The following is an entry in ClinVar:

NM_014727.3(KMT2B):c.5548G>A (p.Gly1850Ser)

Gene: KMT2B (lysine methyltransferase 2B; plus strand). Cytogenetic location: 19q13.12.
Variant type: single nucleotide variant.
Coding change: c.5548G>A on transcript NM_014727.3 (MANE Select); coding-DNA position 5548, G replaced by A.
Protein change: p.Gly1850Ser; replaces glycine 1850 with serine.
Molecular consequence: missense variant.
Genome position (GRCh38, 1-based): chr19:35,732,018, G>A. VCF-style: chr19-35732018-G-A. GRCh37 (hg19) VCF-style: chr19-36222919-G-A.
Other names: short protein forms G1850S.
Identifiers: ClinVar variation 3363343 (VCV003363343.2).

ClinVar aggregate classification (germline): Uncertain significance (1 of 4 stars; one submission).

Submission:

GeneDx
Classification: Uncertain significance. Last evaluated: 2026-02-06. Review status: criteria provided, single submitter. Criteria: GeneDx Variant Classification Process June 2021. Collection method: clinical testing. Allele origin: germline.
Comment: Not observed at significant frequency in large population cohorts (gnomAD); In silico analysis suggests that this missense variant does not alter protein structure/function; Has not been previously published as pathogenic or benign to our knowledge